The following is an entry in ClinVar:

ClinVar aggregate classification (germline): Uncertain significance (1 of 4 stars; one submission).

Conditions:
BBS5-related disorder. Also called: BBS5-related condition.

gnomAD v4.1: 2 of 1,613,086 alleles (0.00012%); highest among the groups gnomAD compares: South Asian, 0.0011%; no homozygotes.

Submission:

PreventionGenetics, part of Exact Sciences
Classification: Uncertain significance for BBS5-related condition. Last evaluated: 2025-05-12. Review status: criteria provided, single submitter. Criteria: ACMG Guidelines, 2015. Collection method: clinical testing. Allele origin: germline.
Comment: The BBS5 c.1004G>A variant is predicted to result in the amino acid substitution p.Gly335Glu. To our knowledge, this variant has not been reported in the literature or in a large population database (gnomAD), indicating this variant is rare. At this time, the clinical significance of this variant is uncertain due to the absence of conclusive functional and genetic evidence.

NM_152384.3(BBS5):c.1004G>A (p.Gly335Glu)

Gene: BBS5 (Bardet-Biedl syndrome 5; plus strand). Cytogenetic location: 2q31.1.
Variant type: single nucleotide variant.
Coding change: c.1004G>A on transcript NM_152384.3 (MANE Select); coding-DNA position 1004, G replaced by A.
Protein change: p.Gly335Glu; replaces glycine 335 with glutamic acid.
Molecular consequence: missense variant.
Genome position (GRCh38, 1-based): chr2:169,504,560, G>A. VCF-style: chr2-169504560-G-A. GRCh37 (hg19) VCF-style: chr2-170361070-G-A.
Other names: short protein forms G335E.
Identifiers: ClinVar variation 5000254 (VCV005000254.1).